The following is an entry in ClinVar:

NM_004612.4(TGFBR1):c.1256-279A>G

Gene: TGFBR1 (transforming growth factor beta receptor 1; plus strand). Cytogenetic location: 9q22.33.
Variant type: single nucleotide variant.
Coding change: c.1256-279A>G on transcript NM_004612.4 (MANE Select); 279 bases into the intron before coding-DNA position 1256, A replaced by G.
Molecular consequence: intron variant.
Genome position (GRCh38, 1-based): chr9:99,147,375, A>G. VCF-style: chr9-99147375-A-G. GRCh37 (hg19) VCF-style: chr9-101909657-A-G.
Other names: c.1268-279A>G (NM_001306210.2); c.1025-279A>G (NM_001130916.3).
Identifiers: ClinVar variation 684000 (VCV000684000.1), dbSNP rs1888225, ClinGen allele CA196894711.

ClinVar aggregate classification (germline): Benign (1 of 4 stars; one submission).

Allele frequency attached by ClinVar (database versions not stated): gnomAD 0.04624 and 0.05315; TOPMed 0.06088; 1000 Genomes Project 30x 0.14069; 1000 Genomes Project 0.15056.
gnomAD v4.1: 8,036 of 152,234 alleles (5.3%); highest among the groups gnomAD compares: East Asian, 42%; 740 homozygotes.

Submission:

GeneDx
Classification: Benign. Last evaluated: 2018-06-19. Review status: criteria provided, single submitter. Criteria: GeneDx Variant Classification (06012015). Collection method: clinical testing. Allele origin: germline. Affected: yes.
Comment: This variant is considered likely benign or benign based on one or more of the following criteria: it is a conservative change, it occurs at a poorly conserved position in the protein, it is predicted to be benign by multiple in silico algorithms, and/or has population frequency not consistent with disease.